The following is an entry in ClinVar:

NM_004006.3(DMD):c.7607A>G (p.Asn2536Ser)

Gene: DMD (dystrophin; minus strand). Cytogenetic location: Xp21.1.
Variant type: single nucleotide variant.
Coding change: c.7607A>G on transcript NM_004006.3 (MANE Select); coding-DNA position 7607, A replaced by G.
Protein change: p.Asn2536Ser; replaces asparagine 2536 with serine.
Molecular consequence: missense variant.
Genome position (GRCh38, 1-based): chrX:31,729,684, T>C on the plus strand (A>G on the coding strand, the complement: DMD is on the minus strand). VCF-style: chrX-31729684-T-C. GRCh37 (hg19) VCF-style: chrX-31747801-T-C.
Other names: c.7583A>G, p.Asn2528Ser (NM_000109.4); c.7595A>G, p.Asn2532Ser (NM_004009.3); c.7238A>G, p.Asn2413Ser (NM_004010.3); c.3584A>G, p.Asn1195Ser (NM_004011.4); c.3575A>G, p.Asn1192Ser (NM_004012.4); c.227A>G, p.Asn76Ser (NM_004013.3, NM_004020.4, NM_004021.3 and 2 more transcripts); short protein forms N1192S, N1195S, N2413S, N2528S, N2532S, N2536S, N76S.
Identifiers: ClinVar variation 4800946 (VCV004800946.1).

ClinVar aggregate classification (germline): Uncertain significance (1 of 4 stars; one submission).

Conditions:
Duchenne muscular dystrophy (DMD). Also called: Duchenne Muscular Dystrophy (DMD); MUSCULAR DYSTROPHY, PSEUDOHYPERTROPHIC PROGRESSIVE, DUCHENNE TYPE. Identifiers: Orphanet 98896, MedGen C0013264, MONDO:0010679, OMIM 310200.

Submission:

Labcorp Genetics (formerly Invitae), Labcorp
Classification: Uncertain significance for Duchenne muscular dystrophy. Last evaluated: 2025-07-07. Review status: criteria provided, single submitter. Criteria: Invitae Variant Classification Sherloc (09022015). Collection method: clinical testing. Allele origin: germline.
Comment: This sequence change replaces asparagine, which is neutral and polar, with serine, which is neutral and polar, at codon 2536 of the DMD protein (p.Asn2536Ser). This variant is not present in population databases (gnomAD no frequency). This variant has not been reported in the literature in individuals affected with DMD-related conditions. Invitae Evidence Modeling of protein sequence and biophysical properties (such as structural, functional, and spatial information, amino acid conservation, physicochemical variation, residue mobility, and thermodynamic stability) indicates that this missense variant is not expected to disrupt DMD protein function with a negative predictive value of 95%. In summary, the available evidence is currently insufficient to determine the role of this variant in disease. Therefore, it has been classified as a Variant of Uncertain Significance.